The following is an entry in ClinVar:

ClinVar aggregate classification (germline): Uncertain significance (1 of 4 stars; one submission).

Allele frequency attached by ClinVar (database versions not stated): TOPMed below 0.00001.

Submission:

Labcorp Genetics (formerly Invitae), Labcorp
Classification: Uncertain significance. Last evaluated: 2024-02-23. Review status: criteria provided, single submitter. Criteria: Invitae Variant Classification Sherloc (09022015). Collection method: clinical testing. Allele origin: germline.
Comment: This sequence change falls in intron 12 of the GRIN2D gene. It does not directly change the encoded amino acid sequence of the GRIN2D protein. It affects a nucleotide within the consensus splice site. This variant is not present in population databases (gnomAD no frequency). This variant has not been reported in the literature in individuals affected with GRIN2D-related conditions. ClinVar contains an entry for this variant (Variation ID: 2079969). Variants that disrupt the consensus splice site are a relatively common cause of aberrant splicing (PMID: 17576681, 9536098). Algorithms developed to predict the effect of sequence changes on RNA splicing suggest that this variant may disrupt the consensus splice site. In summary, the available evidence is currently insufficient to determine the role of this variant in disease. Therefore, it has been classified as a Variant of Uncertain Significance.

Literature cited by the submitters: PubMed 17576681; PubMed 9536098.

NM_000836.4(GRIN2D):c.2673+1G>T

Gene: GRIN2D (glutamate ionotropic receptor NMDA type subunit 2D; plus strand). Cytogenetic location: 19q13.33.
Variant type: single nucleotide variant.
Coding change: c.2673+1G>T on transcript NM_000836.4 (MANE Select); the canonical splice donor site of the intron after coding-DNA position 2673, G replaced by T.
Molecular consequence: splice donor variant.
Genome position (GRCh38, 1-based): chr19:48,442,383, G>T. VCF-style: chr19-48442383-G-T. GRCh37 (hg19) VCF-style: chr19-48945640-G-T.
Identifiers: ClinVar variation 2079969 (VCV002079969.4), dbSNP rs1971307834, ClinGen allele CA406670700.